The following is an entry in ClinVar:

ClinVar aggregate classification (germline): Uncertain significance (1 of 4 stars; one submission).

Conditions:
Hereditary nonpolyposis colorectal neoplasms. Identifiers: MedGen C0009405, MeSH D003123.

Submission:

Labcorp Genetics (formerly Invitae), Labcorp
Classification: Uncertain significance for Hereditary nonpolyposis colorectal neoplasms. Last evaluated: 2021-02-14. Review status: criteria provided, single submitter. Criteria: Invitae Variant Classification Sherloc (09022015). Collection method: clinical testing. Allele origin: germline.
Comment: Advanced modeling of protein sequence and biophysical properties (such as structural, functional, and spatial information, amino acid conservation, physicochemical variation, residue mobility, and thermodynamic stability) performed at Invitae indicates that this missense variant is not expected to disrupt MSH6 protein function. In summary, the available evidence is currently insufficient to determine the role of this variant in disease. Therefore, it has been classified as a Variant of Uncertain Significance. This variant has not been reported in the literature in individuals with MSH6-related conditions. This sequence change replaces histidine with leucine at codon 552 of the MSH6 protein (p.His552Leu). The histidine residue is weakly conserved and there is a moderate physicochemical difference between histidine and leucine. This variant is not present in population databases (ExAC no frequency).

NM_000179.3(MSH6):c.1655A>T (p.His552Leu)

Gene: MSH6 (mutS homolog 6; plus strand). Cytogenetic location: 2p16.3.
Variant type: single nucleotide variant.
Coding change: c.1655A>T on transcript NM_000179.3 (MANE Select); coding-DNA position 1655, A replaced by T.
Protein change: p.His552Leu; replaces histidine 552 with leucine.
Molecular consequence: missense variant.
Genome position (GRCh38, 1-based): chr2:47,799,638, A>T. VCF-style: chr2-47799638-A-T. GRCh37 (hg19) VCF-style: chr2-48026777-A-T.
Other names: c.1265A>T, p.His422Leu (NM_001281492.2); c.749A>T, p.His250Leu (NM_001281493.2, NM_001281494.2); short protein forms H552L, H250L, H422L.
Identifiers: ClinVar variation 1403454 (VCV001403454.8), dbSNP rs1064793423, ClinGen allele CA346747300.